The following is an entry in ClinVar:

ClinVar aggregate classification (germline): Benign/Likely benign. Review status: criteria provided, multiple submitters, no conflicts (2 of 4 stars). 7 submissions from 7 submitters: Benign (1); Likely benign (6). Last evaluated 2025-08-12.

Conditions:
Congenital contractural arachnodactyly (CCA). Also called: Arthrogryposis, distal, type 9; Beals-Hecht syndrome; BEALS SYNDROME. Identifiers: Orphanet 115, MedGen C0220668, MONDO:0007363, OMIM 121050.
Familial thoracic aortic aneurysm and aortic dissection (TAAD). Also called: Thoracic aortic aneurysms and dissections. Identifiers: Orphanet 91387, MedGen C4707243, MONDO:0019625.

Allele frequency attached by ClinVar (database versions not stated): gnomAD exomes below 0.00001 and 0.00002; gnomAD 0.00001; TOPMed 0.00002.
gnomAD v4.1: 27 of 1,614,052 alleles (0.0017%); highest among the groups gnomAD compares: Non-Finnish European, 0.002%; no homozygotes.

Submissions (7):

Labcorp Genetics (formerly Invitae), Labcorp
Classification: Likely benign for Congenital contractural arachnodactyly. Last evaluated: 2025-08-12. Review status: criteria provided, single submitter. Criteria: Invitae Variant Classification Sherloc (09022015). Collection method: clinical testing. Allele origin: germline.

ARUP Laboratories, Molecular Genetics and Genomics, ARUP Laboratories
Classification: Benign. Last evaluated: 2025-01-13. Review status: criteria provided, single submitter. Criteria: ARUP Molecular Germline Variant Investigation Process 2024. Collection method: clinical testing. Allele origin: germline.

Women's Health and Genetics/Laboratory Corporation of America, LabCorp
Classification: Likely benign. Last evaluated: 2024-03-11. Review status: criteria provided, single submitter. Criteria: LabCorp Variant Classification Summary - May 2015. Collection method: clinical testing. Allele origin: germline.

CeGaT Center for Human Genetics Tuebingen
Classification: Likely benign. Last evaluated: 2024-02-01. Review status: criteria provided, single submitter. Criteria: CeGaT Center For Human Genetics Tuebingen Variant Classification Criteria Version 2. Collection method: clinical testing. Allele origin: germline. Affected: yes. Observed: 1 variant allele.
Comment: FBN2: BP4

Ambry Genetics
Classification: Likely benign for Familial thoracic aortic aneurysm and aortic dissection. Last evaluated: 2022-07-11. Review status: criteria provided, single submitter. Criteria: Ambry Variant Classification Scheme 2023. Collection method: clinical testing. Allele origin: germline.

GeneDx
Classification: Likely benign. Last evaluated: 2017-08-17. Review status: criteria provided, single submitter. Criteria: GeneDx Variant Classification (06012015). Collection method: clinical testing. Allele origin: germline. Affected: yes.
Comment: This variant is considered likely benign or benign based on one or more of the following criteria: it is a conservative change, it occurs at a poorly conserved position in the protein, it is predicted to be benign by multiple in silico algorithms, and/or has population frequency not consistent with disease.

PreventionGenetics, part of Exact Sciences
Classification: Likely benign. Review status: criteria provided, single submitter. Criteria: ACMG Guidelines, 2015. Collection method: clinical testing. Allele origin: germline.

NM_001999.4(FBN2):c.4690T>C (p.Leu1564=)

Gene: FBN2 (fibrillin 2; minus strand). Cytogenetic location: 5q23.3.
Variant type: single nucleotide variant.
Coding change: c.4690T>C on transcript NM_001999.4 (MANE Select); coding-DNA position 4690, T replaced by C.
Protein change: p.Leu1564=; no amino-acid change (leucine 1564 retained).
Molecular consequence: synonymous variant.
Genome position (GRCh38, 1-based): chr5:128,318,176, A>G on the plus strand (T>C on the coding strand, the complement: FBN2 is on the minus strand). VCF-style: chr5-128318176-A-G. GRCh37 (hg19) VCF-style: chr5-127653868-A-G.
Identifiers: ClinVar variation 258518 (VCV000258518.42), dbSNP rs886038504, ClinGen allele CA10586897.